The following is an entry in ClinVar:

ClinVar aggregate classification (germline): Uncertain significance (1 of 4 stars; one submission).

Conditions:
Myofibrillar myopathy 4. Also called: Zaspopathy (type). Identifiers: Orphanet 98912, MedGen C4721886, MONDO:0012277, OMIM 609452.

Submission:

Labcorp Genetics (formerly Invitae), Labcorp
Classification: Uncertain significance for Myofibrillar myopathy 4. Last evaluated: 2023-05-09. Review status: criteria provided, single submitter. Criteria: Invitae Variant Classification Sherloc (09022015). Collection method: clinical testing. Allele origin: germline.
Comment: Experimental studies and prediction algorithms are not available or were not evaluated, and the functional significance of this variant is currently unknown. The LDB3 gene has multiple clinically relevant transcripts. This variant occurs in alternate transcript NM_007078.3, and corresponds to NM_001080116.1:c.*18786C>T in the primary transcript. This sequence change falls in intron 11 of the LDB3 gene. It does not directly change the encoded amino acid sequence of the LDB3 protein. This variant is not present in population databases (gnomAD no frequency). This variant has not been reported in the literature in individuals affected with LDB3-related conditions. In summary, the available evidence is currently insufficient to determine the role of this variant in disease. Therefore, it has been classified as a Variant of Uncertain Significance.

NM_007078.3(LDB3):c.1857+16C>T

Gene: LDB3 (LIM domain binding 3; plus strand). Cytogenetic location: 10q23.2.
Variant type: single nucleotide variant.
Coding change: c.1857+16C>T on transcript NM_007078.3 (MANE Select); 16 bases into the intron after coding-DNA position 1857, C replaced by T.
Molecular consequence: intron variant.
Genome position (GRCh38, 1-based): chr10:86,718,160, C>T. VCF-style: chr10-86718160-C-T. GRCh37 (hg19) VCF-style: chr10-88477917-C-T.
Other names: c.1668+16C>T (NM_001368064.1, NM_001368065.1); c.1872+16C>T (NM_001171610.2); c.1716+16C>T (NM_001368066.1); c.1527+16C>T (NM_001080114.2).
Identifiers: ClinVar variation 2857599 (VCV002857599.3), dbSNP rs2492816962, ClinGen allele CA2739275905.